The following is an entry in ClinVar:

NM_001292063.2(OTOG):c.6453G>T (p.Trp2151Cys)

Gene: OTOG (otogelin; plus strand). Cytogenetic location: 11p15.1.
Variant type: single nucleotide variant.
Coding change: c.6453G>T on transcript NM_001292063.2 (MANE Select); coding-DNA position 6453, G replaced by T.
Protein change: p.Trp2151Cys; replaces tryptophan 2151 with cysteine.
Molecular consequence: missense variant.
Genome position (GRCh38, 1-based): chr11:17,613,626, G>T. VCF-style: chr11-17613626-G-T. GRCh37 (hg19) VCF-style: chr11-17635173-G-T.
Other names: c.6489G>T, p.Trp2163Cys (NM_001277269.2); short protein forms W2163C, W2151C.
Identifiers: ClinVar variation 2129502 (VCV002129502.4), dbSNP rs1853652543, ClinGen allele CA379805124.

ClinVar aggregate classification (germline): Uncertain significance (1 of 4 stars; one submission).

Submission:

Labcorp Genetics (formerly Invitae), Labcorp
Classification: Uncertain significance. Last evaluated: 2022-05-08. Review status: criteria provided, single submitter. Criteria: Invitae Variant Classification Sherloc (09022015). Collection method: clinical testing. Allele origin: germline.
Comment: In summary, the available evidence is currently insufficient to determine the role of this variant in disease. Therefore, it has been classified as a Variant of Uncertain Significance. Algorithms developed to predict the effect of missense changes on protein structure and function are either unavailable or do not agree on the potential impact of this missense change (SIFT: "Deleterious"; PolyPhen-2: "Probably Damaging"; Align-GVGD: "Class C0"). This variant has not been reported in the literature in individuals affected with OTOG-related conditions. This variant is not present in population databases (gnomAD no frequency). This sequence change replaces tryptophan, which is neutral and slightly polar, with cysteine, which is neutral and slightly polar, at codon 2163 of the OTOG protein (p.Trp2163Cys).